The following is an entry in ClinVar:

NM_001848.3(COL6A1):c.311C>T (p.Thr104Met)

Gene: COL6A1 (collagen type VI alpha 1 chain; plus strand). Cytogenetic location: 21q22.3.
Variant type: single nucleotide variant.
Coding change: c.311C>T on transcript NM_001848.3 (MANE Select); coding-DNA position 311, C replaced by T.
Protein change: p.Thr104Met; replaces threonine 104 with methionine.
Molecular consequence: missense variant.
Genome position (GRCh38, 1-based): chr21:45,984,352, C>T. VCF-style: chr21-45984352-C-T. GRCh37 (hg19) VCF-style: chr21-47404266-C-T.
Other names: short protein forms T104M.
Identifiers: ClinVar variation 285070 (VCV000285070.13), dbSNP rs781396484, ClinGen allele CA10069523.

ClinVar aggregate classification (germline): Conflicting classifications of pathogenicity. Review status: criteria provided, conflicting classifications (1 of 4 stars). 4 submissions from 4 submitters: Uncertain significance (3); Benign (1). Last evaluated 2025-05-01.

Conditions:
Bethlem myopathy 1A. Also called: Bethlem Muscular Dystrophy; MYOPATHY, BENIGN CONGENITAL, WITH CONTRACTURES; Bethlem myopathy 1. Identifiers: Orphanet 610, MedGen CN029274, MONDO:0024530, OMIM 158810.

Allele frequency attached by ClinVar (database versions not stated): gnomAD exomes 0.00001; ExAC 0.00002; gnomAD 0.00003.
gnomAD v4.1: 13 of 1,612,480 alleles (0.00081%); highest among the groups gnomAD compares: East Asian, 0.0089%; no homozygotes.

Submissions (4):

Labcorp Genetics (formerly Invitae), Labcorp
Classification: Benign for Bethlem myopathy 1A. Last evaluated: 2025-05-01. Review status: criteria provided, single submitter. Criteria: Invitae Variant Classification Sherloc (09022015). Collection method: clinical testing. Allele origin: germline.

Revvity Omics, Revvity
Classification: Uncertain significance. Last evaluated: 2021-06-26. Review status: criteria provided, single submitter. Criteria: ACMG Guidelines, 2015. Collection method: clinical testing. Allele origin: germline.

GeneDx
Classification: Uncertain significance. Last evaluated: 2019-09-04. Review status: criteria provided, single submitter. Criteria: GeneDx Variant Classification Process June 2021. Collection method: clinical testing. Allele origin: germline. Affected: yes.
Comment: In silico analysis, which includes protein predictors and evolutionary conservation, supports a deleterious effect; Reported in a patient with limb-girdle muscular dystrophy in published literature; a second COL6A1 variant was not identified (Nallamilli et al., 2018); This variant is associated with the following publications: (PMID: 30564623)

Eurofins Ntd Llc (ga)
Classification: Uncertain significance. Last evaluated: 2015-12-01. Review status: criteria provided, single submitter. Criteria: EGL Classification Definitions 2015. Collection method: clinical testing. Allele origin: germline. Observed: 1 variant allele, 1 heterozygote.